The following is an entry in ClinVar:

NM_000038.6(APC):c.7296A>G (p.Ser2432=)

Gene: APC (APC regulator of Wnt signaling pathway; plus strand). Cytogenetic location: 5q22.2.
Variant type: single nucleotide variant.
Coding change: c.7296A>G on transcript NM_000038.6 (MANE Select); coding-DNA position 7296, A replaced by G.
Protein change: p.Ser2432=; no amino-acid change (serine 2432 retained).
Molecular consequence: synonymous variant.
Genome position (GRCh38, 1-based): chr5:112,842,890, A>G. VCF-style: chr5-112842890-A-G. GRCh37 (hg19) VCF-style: chr5-112178587-A-G.
Other names: c.7296A>G, p.Ser2432= (NM_001127510.3, NM_001354895.2); c.7242A>G, p.Ser2414= (NM_001127511.3); c.7350A>G, p.Ser2450= (NM_001354896.2); c.7326A>G, p.Ser2442= (NM_001354897.2); c.7221A>G, p.Ser2407= (NM_001354898.2); c.7212A>G, p.Ser2404= (NM_001354899.2); c.7173A>G, p.Ser2391= (NM_001354900.2); c.7119A>G, p.Ser2373= (NM_001354901.2); and 5 more.
Identifiers: ClinVar variation 1604590 (VCV001604590.23), dbSNP rs2149983796, ClinGen allele CA446210242.

ClinVar aggregate classification (germline): Likely benign. Review status: criteria provided, multiple submitters, no conflicts (2 of 4 stars). 3 submissions from 3 submitters: Likely benign (3). Last evaluated 2025-02-01.

Conditions:
Hereditary cancer-predisposing syndrome. Also called: Neoplastic Syndromes, Hereditary; Hereditary neoplastic syndrome; Tumor predisposition; Hereditary Cancer Syndrome. Identifiers: Orphanet 140162, MedGen C0027672, MeSH D009386, MONDO:0015356.
Familial adenomatous polyposis 1 (FAP1). Also called: POLYPOSIS, ADENOMATOUS INTESTINAL; FAMILIAL ADENOMATOUS POLYPOSIS 1, ATTENUATED. Identifiers: MedGen C2713442, MONDO:0021056, OMIM 175100. Disease mechanism: loss of function.

Submissions (3):

CeGaT Center for Human Genetics Tuebingen
Classification: Likely benign. Last evaluated: 2025-02-01. Review status: criteria provided, single submitter. Criteria: CeGaT Center For Human Genetics Tuebingen Variant Classification Criteria Version 2. Collection method: clinical testing. Allele origin: germline. Affected: yes. Observed: 1 variant allele.
Comment: APC: PM2:Supporting, BP4, BP7

Ambry Genetics
Classification: Likely benign for Hereditary cancer-predisposing syndrome. Last evaluated: 2022-08-30. Review status: criteria provided, single submitter. Criteria: Ambry Variant Classification Scheme 2023. Collection method: clinical testing. Allele origin: germline.

Labcorp Genetics (formerly Invitae), Labcorp
Classification: Likely benign for Familial adenomatous polyposis 1. Last evaluated: 2021-09-15. Review status: criteria provided, single submitter. Criteria: Invitae Variant Classification Sherloc (09022015). Collection method: clinical testing. Allele origin: germline.